The following is an entry in ClinVar:

ClinVar aggregate classification (germline): Uncertain significance. Review status: criteria provided, multiple submitters, no conflicts (2 of 4 stars). 2 submissions from 2 submitters: Uncertain significance (2). Last evaluated 2022-11-22.

Conditions:
Intellectual developmental disorder, autosomal dominant 1. Also called: Intellectual disability, autosomal dominant 1; MBD5 Haploinsufficiency. Identifiers: Orphanet 228402, MedGen C1969562, MONDO:0007974, OMIM 156200.

Submissions (2):

Labcorp Genetics (formerly Invitae), Labcorp
Classification: Uncertain significance for Intellectual developmental disorder, autosomal dominant 1. Last evaluated: 2022-11-22. Review status: criteria provided, single submitter. Criteria: Invitae Variant Classification Sherloc (09022015). Collection method: clinical testing. Allele origin: germline.
Comment: In summary, the available evidence is currently insufficient to determine the role of this variant in disease. Therefore, it has been classified as a Variant of Uncertain Significance. Algorithms developed to predict the effect of missense changes on protein structure and function are either unavailable or do not agree on the potential impact of this missense change (SIFT: "Deleterious"; PolyPhen-2: "Not Available"; Align-GVGD: "Class C15"). ClinVar contains an entry for this variant (Variation ID: 1481212). This variant has not been reported in the literature in individuals affected with MBD5-related conditions. This sequence change replaces glycine, which is neutral and non-polar, with aspartic acid, which is acidic and polar, at codon 1078 of the MBD5 protein (p.Gly1078Asp). This variant is not present in population databases (gnomAD no frequency).

Fulgent Genetics
Classification: Uncertain significance for Intellectual developmental disorder, autosomal dominant 1. Last evaluated: 2022-05-25. Review status: criteria provided, single submitter. Criteria: ACMG Guidelines, 2015. Collection method: clinical testing. Allele origin: unknown.

NM_001378120.1(MBD5):c.3932G>A (p.Gly1311Asp)

Gene: MBD5 (methyl-CpG binding domain protein 5; plus strand). Cytogenetic location: 2q23.1.
Variant type: single nucleotide variant.
Coding change: c.3932G>A on transcript NM_001378120.1 (MANE Select); coding-DNA position 3932, G replaced by A.
Protein change: p.Gly1311Asp; replaces glycine 1311 with aspartic acid.
Molecular consequence: missense variant.
Genome position (GRCh38, 1-based): chr2:148,489,564, G>A. VCF-style: chr2-148489564-G-A. GRCh37 (hg19) VCF-style: chr2-149247133-G-A.
Other names: c.3233G>A, p.Gly1078Asp (NM_018328.5); short protein forms G1311D, G1078D.
Identifiers: ClinVar variation 1481212 (VCV001481212.7), dbSNP rs1352862206, ClinGen allele CA348725835.